The following is an entry in ClinVar:

NM_152703.5(SAMD9L):c.2924A>G (p.Glu975Gly)

Gene: SAMD9L (sterile alpha motif domain containing 9 like; minus strand). Cytogenetic location: 7q21.2.
Variant type: single nucleotide variant.
Coding change: c.2924A>G on transcript NM_152703.5 (MANE Select); coding-DNA position 2924, A replaced by G.
Protein change: p.Glu975Gly; replaces glutamic acid 975 with glycine.
Molecular consequence: missense variant.
Genome position (GRCh38, 1-based): chr7:93,133,048, T>C on the plus strand (A>G on the coding strand, the complement: SAMD9L is on the minus strand). VCF-style: chr7-93133048-T-C. GRCh37 (hg19) VCF-style: chr7-92762361-T-C.
Other names: c.2924A>G (NM_152703.3); c.2924A>G, p.Glu975Gly (NM_001303496.3, NM_001303497.3, NM_001303498.3 and 5 more transcripts); short protein forms E975G.
Identifiers: ClinVar variation 1997354 (VCV001997354.5), dbSNP rs2535416461, ClinGen allele CA368186065.

ClinVar aggregate classification (germline): Uncertain significance. Review status: criteria provided, multiple submitters, no conflicts (2 of 4 stars). 2 submissions from 2 submitters: Uncertain significance (2). Last evaluated 2024-02-21.

Submissions (2):

GeneDx
Classification: Uncertain significance. Last evaluated: 2024-02-21. Review status: criteria provided, single submitter. Criteria: GeneDx Variant Classification Process June 2021. Collection method: clinical testing. Allele origin: germline. Affected: yes.
Comment: Not observed at significant frequency in large population cohorts (gnomAD); In silico analysis supports that this missense variant has a deleterious effect on protein structure/function; Has not been previously published as pathogenic or benign to our knowledge; This variant is associated with the following publications: (PMID: 28545555)

Labcorp Genetics (formerly Invitae), Labcorp
Classification: Uncertain significance. Last evaluated: 2022-05-21. Review status: criteria provided, single submitter. Criteria: Invitae Variant Classification Sherloc (09022015). Collection method: clinical testing. Allele origin: germline.
Comment: This variant has not been reported in the literature in individuals affected with SAMD9L-related conditions. This sequence change replaces glutamic acid, which is acidic and polar, with glycine, which is neutral and non-polar, at codon 975 of the SAMD9L protein (p.Glu975Gly). This variant is not present in population databases (gnomAD no frequency). Algorithms developed to predict the effect of missense changes on protein structure and function are either unavailable or do not agree on the potential impact of this missense change (SIFT: "Not Available"; PolyPhen-2: "Possibly Damaging"; Align-GVGD: "Not Available"). In summary, the available evidence is currently insufficient to determine the role of this variant in disease. Therefore, it has been classified as a Variant of Uncertain Significance.